The following is an entry in ClinVar:

ClinVar aggregate classification (germline): Likely pathogenic. Review status: criteria provided, single submitter (1 of 4 stars). 2 submissions from 2 submitters: Likely pathogenic (1). 1 of the submissions does not count toward it. Last evaluated 2022-05-22.

Conditions:
Tuberous sclerosis syndrome (TSC). Also called: Tuberous Sclerosis Complex; Tuberous sclerosis. Identifiers: Orphanet 805, MedGen C0041341, MONDO:0001734.
Tuberous sclerosis 2 (TSC2). Identifiers: Orphanet 805, MedGen C1860707, MONDO:0013199, OMIM 613254.

Submissions (2):

3billion
Classification: Likely pathogenic for Tuberous sclerosis 2. Last evaluated: 2022-05-22. Review status: criteria provided, single submitter. Criteria: ACMG Guidelines, 2015. Collection method: clinical testing. Allele origin: germline. Affected: yes. Observed: 1 heterozygote.
Comment: The variant is not observed in the gnomAD v2.1.1 dataset. Missense varaint: Protein truncation variants are a common disease-causing mechanism. In silico tool predictions suggest damaging effect of the variant on gene or gene product (REVEL: 0.89; 3Cnet: 0.05). Same nucleotide change resulting in same amino acid change has been previously reported to be associated with TSC2 related disorder (PMID: 17304050). A different missense change at the same codon (p.Gln1503Pro) has been reported as pathogenic/likely pathogenic with strong evidence (ClinVar ID: VCV000012401). Therefore, this variant is classified as likely pathogenic according to the recommendation of ACMG/AMP guideline.

Tuberous sclerosis database (TSC2)
No classification provided. Condition: TSC. Review status: no classification provided. Criteria: Tuberous Sclerosis Database Assertion Criteria 2015. Collection method: curation. Allele origin: germline. Affected: yes. Not counted in ClinVar's aggregate classification.

Literature cited by the submitters: PubMed 17304050 (cited by 3billion).

NM_000548.5(TSC2):c.4509G>T (p.Gln1503His)

Gene: TSC2 (TSC complex subunit 2; plus strand). Cytogenetic location: 16p13.3.
Variant type: single nucleotide variant.
Coding change: c.4509G>T on transcript NM_000548.5 (MANE Select); coding-DNA position 4509, G replaced by T.
Protein change: p.Gln1503His; replaces glutamine 1503 with histidine.
Molecular consequence: missense variant.
Genome position (GRCh38, 1-based): chr16:2,084,966, G>T. VCF-style: chr16-2084966-G-T. GRCh37 (hg19) VCF-style: chr16-2134967-G-T.
Other names: c.4308G>T, p.Gln1436His (NM_001077183.3); c.4440G>T, p.Gln1480His (NM_001114382.3); c.4200G>T, p.Gln1400His (NM_001318827.2); c.4164G>T, p.Gln1388His (NM_001318829.2); c.3777G>T, p.Gln1259His (NM_001318831.2); c.4341G>T, p.Gln1447His (NM_001318832.2); c.4311G>T, p.Gln1437His (NM_001363528.2); c.4377G>T, p.Gln1459His (NM_001370404.1); and 1 more; short protein forms Q1503H, Q1388H, Q1437H, Q1480H, Q1400H, Q1436H, Q1447H, Q1259H.
Identifiers: ClinVar variation 49498 (VCV000049498.3), dbSNP rs45517349, ClinGen allele CA020576.
Genomic context (GRCh38, chr16:2,084,966, plus strand): 5'-TGGCCAGGCCCTCACCTGGGTGCCCACCATCCCCTCCCTGTGCAGTTTCGTGTTCCTGCA[G>T]CTCTACCATTCCCCCTTCTTTGGCGACGAGTCAAACAAGCCAATCCTGCTGCCCAATGAG-3'
Protein context (NP_000539.2, residues 1493-1513): PGINPSFVFL[Gln1503His]LYHSPFFGDE